The following is an entry in ClinVar:

NM_012470.4(TNPO3):c.553-79T>G

Gene: TNPO3 (transportin 3; minus strand). Cytogenetic location: 7q32.1.
Variant type: single nucleotide variant.
Coding change: c.553-79T>G on transcript NM_012470.4 (MANE Select); 79 bases into the intron before coding-DNA position 553, T replaced by G.
Molecular consequence: intron variant.
Genome position (GRCh38, 1-based): chr7:129,005,238, A>C on the plus strand (T>G on the coding strand, the complement: TNPO3 is on the minus strand). VCF-style: chr7-129005238-A-C. GRCh37 (hg19) VCF-style: chr7-128645292-A-C.
Other names: c.553-4004T>G (NM_001382221.1); c.553-79T>G (NM_001382222.1, NM_001382219.1, NM_001382223.1 and 4 more transcripts); c.634-79T>G (NM_001382217.1).
Identifiers: ClinVar variation 670778 (VCV000670778.2), dbSNP rs11768572, ClinGen allele CA12638836.

ClinVar aggregate classification (germline): Benign. Review status: criteria provided, multiple submitters, no conflicts (2 of 4 stars). 2 submissions from 2 submitters: Benign (2). Last evaluated 2018-06-14.

Allele frequency attached by ClinVar (database versions not stated): 1000 Genomes Project 30x 0.26327; 1000 Genomes Project 0.26757; TOPMed 0.27488; gnomAD 0.28208.
gnomAD v4.1: 449,446 of 1,295,496 alleles (35%); highest among the groups gnomAD compares: Non-Finnish European, 37%; 81,231 homozygotes.

Submissions (2):

GeneDx
Classification: Benign. Last evaluated: 2018-06-14. Review status: criteria provided, single submitter. Criteria: GeneDx Variant Classification (06012015). Collection method: clinical testing. Allele origin: germline. Affected: yes.
Comment: This variant is considered likely benign or benign based on one or more of the following criteria: it is a conservative change, it occurs at a poorly conserved position in the protein, it is predicted to be benign by multiple in silico algorithms, and/or has population frequency not consistent with disease.

Breakthrough Genomics
Classification: Benign. Review status: criteria provided, single submitter. Criteria: ACMG Guidelines, 2015. Collection method: not provided. Allele origin: germline. Inheritance: Autosomal dominant inheritance. Affected: yes.